The following is an entry in ClinVar:

NM_000112.4(SLC26A2):c.1264G>A (p.Gly422Ser)

Gene: SLC26A2 (solute carrier family 26 member 2; plus strand). Cytogenetic location: 5q32.
Variant type: single nucleotide variant.
Coding change: c.1264G>A on transcript NM_000112.4 (MANE Select); coding-DNA position 1264, G replaced by A.
Protein change: p.Gly422Ser; replaces glycine 422 with serine.
Molecular consequence: missense variant.
Genome position (GRCh38, 1-based): chr5:149,980,857, G>A. VCF-style: chr5-149980857-G-A. GRCh37 (hg19) VCF-style: chr5-149360420-G-A.
Other names: short protein forms G422S.
Identifiers: ClinVar variation 2164355 (VCV002164355.2), dbSNP rs750331459, ClinGen allele CA3505413.

ClinVar aggregate classification (germline): Uncertain significance. Review status: criteria provided, multiple submitters, no conflicts (2 of 4 stars). 2 submissions from 2 submitters: Uncertain significance (2). Last evaluated 2025-05-28.

Conditions:
Inborn genetic diseases. Identifiers: MedGen C0950123, MeSH D030342.
Achondrogenesis, type IB (ACG1B). Also called: Achondrogenesis Type 1B. Identifiers: Orphanet 932, Orphanet 93298, MedGen C0265274, MONDO:0010966, OMIM 600972.
Multiple epiphyseal dysplasia type 4 (EDM4). Also called: SLC26A2-Related Multiple Epiphyseal Dysplasia; Multiple Epiphyseal Dysplasia, Recessive; MULTIPLE EPIPHYSEAL DYSPLASIA WITH BILAYERED PATELLAE; MULTIPLE EPIPHYSEAL DYSPLASIA WITH CLUBFOOT; MULTIPLE EPIPHYSEAL DYSPLASIA, AUTOSOMAL RECESSIVE. Identifiers: Orphanet 93307, MedGen C1847593, MONDO:0009189, OMIM 226900.
Atelosteogenesis type II (AO2). Also called: Neonatal osseous dysplasia 1; SLC26A2-Related Atelosteogenesis; NEONATAL OSSEOUS DYSPLASIA I. Identifiers: Orphanet 56304, MedGen C1850554, MONDO:0009727, OMIM 256050.
Diastrophic dysplasia (DTD). Also called: Diastrophic dwarfism. Identifiers: Orphanet 628, MedGen C0220726, MONDO:0009107, OMIM 222600.

Allele frequency attached by ClinVar (database versions not stated): ExAC 0.00001; gnomAD 0.00001; gnomAD exomes 0.00001.
gnomAD v4.1: 4 of 1,613,948 alleles (0.00025%); highest among the groups gnomAD compares: Admixed American, 0.0017%; no homozygotes.

Submissions (2):

Ambry Genetics
Classification: Uncertain significance for Inborn genetic diseases. Last evaluated: 2025-05-28. Review status: criteria provided, single submitter. Criteria: Ambry Variant Classification Scheme 2023. Collection method: clinical testing. Allele origin: germline.

Labcorp Genetics (formerly Invitae), Labcorp
Classification: Uncertain significance for Atelosteogenesis type II; Multiple epiphyseal dysplasia type 4; Achondrogenesis, type IB; Diastrophic dysplasia. Last evaluated: 2022-04-29. Review status: criteria provided, single submitter. Criteria: Invitae Variant Classification Sherloc (09022015). Collection method: clinical testing. Allele origin: germline.
Comment: This sequence change replaces glycine, which is neutral and non-polar, with serine, which is neutral and polar, at codon 422 of the SLC26A2 protein (p.Gly422Ser). This variant is present in population databases (rs750331459, gnomAD 0.0009%). This variant has not been reported in the literature in individuals affected with SLC26A2-related conditions. Advanced modeling of protein sequence and biophysical properties (such as structural, functional, and spatial information, amino acid conservation, physicochemical variation, residue mobility, and thermodynamic stability) performed at Invitae indicates that this missense variant is expected to disrupt SLC26A2 protein function. In summary, the available evidence is currently insufficient to determine the role of this variant in disease. Therefore, it has been classified as a Variant of Uncertain Significance.